The following is an entry in ClinVar:

NM_182961.4(SYNE1):c.8152A>G (p.Met2718Val)

Gene: SYNE1 (spectrin repeat containing nuclear envelope protein 1; minus strand). Cytogenetic location: 6q25.2.
Variant type: single nucleotide variant.
Coding change: c.8152A>G on transcript NM_182961.4 (MANE Select); coding-DNA position 8152, A replaced by G.
Protein change: p.Met2718Val; replaces methionine 2718 with valine.
Molecular consequence: missense variant.
Genome position (GRCh38, 1-based): chr6:152,390,305, T>C on the plus strand (A>G on the coding strand, the complement: SYNE1 is on the minus strand). VCF-style: chr6-152390305-T-C. GRCh37 (hg19) VCF-style: chr6-152711440-T-C.
Other names: c.8173A>G, p.Met2725Val (NM_033071.5); short protein forms M2718V, M2725V.
Identifiers: ClinVar variation 958516 (VCV000958516.1), dbSNP rs765054617, ClinGen allele CA366105263.

ClinVar aggregate classification (germline): Uncertain significance (1 of 4 stars; one submission).

Conditions:
Autosomal recessive ataxia, Beauce type. Also called: Spinocerebellar ataxia, autosomal recessive 8; ATAXIA, RECESSIVE, OF BEAUCE; SYNE1-Related Autosomal Recessive Cerebellar Ataxia; SYNE1 Deficiency. Identifiers: Orphanet 88644, MedGen C1853116, MONDO:0012549, OMIM 610743.
Emery-Dreifuss muscular dystrophy 4, autosomal dominant (EDMD4). Also called: EMERY-DREIFUSS MUSCULAR DYSTROPHY 4 WITH VARIABLE FEATURES. Identifiers: Orphanet 261, MedGen C2751807, MONDO:0013071, OMIM 612998.

Submission:

Labcorp Genetics (formerly Invitae), Labcorp
Classification: Uncertain significance for Emery-Dreifuss muscular dystrophy 4, autosomal dominant; Spinocerebellar ataxia, autosomal recessive 8. Last evaluated: 2019-09-16. Review status: criteria provided, single submitter. Criteria: Invitae Variant Classification Sherloc (09022015). Collection method: clinical testing. Allele origin: germline.
Comment: This sequence change replaces methionine with valine at codon 2725 of the SYNE1 protein (p.Met2725Val). The methionine residue is moderately conserved and there is a small physicochemical difference between methionine and valine. This variant is not present in population databases (ExAC no frequency). This variant has not been reported in the literature in individuals with SYNE1-related conditions. Algorithms developed to predict the effect of missense changes on protein structure and function output the following: SIFT: "Tolerated"; PolyPhen-2: "Benign"; Align-GVGD: "Class C0". The valine amino acid residue is found in multiple mammalian species, suggesting that this missense change does not adversely affect protein function. These predictions have not been confirmed by published functional studies and their clinical significance is uncertain. Algorithms developed to predict the effect of sequence changes on RNA splicing suggest that this variant may create or strengthen a splice site, but this prediction has not been confirmed by published transcriptional studies. In summary, the available evidence is currently insufficient to determine the role of this variant in disease. Therefore, it has been classified as a Variant of Uncertain Significance.